The following is an entry in ClinVar:

ClinVar aggregate classification (germline): Likely pathogenic. Review status: criteria provided, multiple submitters, no conflicts (2 of 4 stars). 2 submissions from 2 submitters: Likely pathogenic (2). Last evaluated 2025-03-24.

Conditions:
Mandibulofacial dysostosis-microcephaly syndrome (MFDGA). Also called: Mandibulofacial dysostosis, Guion-Almeida type; Growth and mental retardation, mandibulofacial dysostosis, microcephaly, and cleft palate. Identifiers: Orphanet 79113, MedGen C1864652, MONDO:0012516, OMIM 610536.
Inborn genetic diseases. Identifiers: MedGen C0950123, MeSH D030342.

Submissions (2):

Women's Health and Genetics/Laboratory Corporation of America, LabCorp
Classification: Likely pathogenic for Mandibulofacial dysostosis-microcephaly syndrome. Last evaluated: 2025-03-24. Review status: criteria provided, single submitter. Criteria: LabCorp Variant Classification Summary - May 2015. Collection method: clinical testing. Allele origin: germline.
Comment: Variant summary: EFTUD2 c.2306G>A (p.Gly769Asp) results in a non-conservative amino acid change in the encoded protein sequence. Five of five in-silico tools predict a damaging effect of the variant on protein function. The variant was absent in 251170 control chromosomes. c.2306G>A has not been reported in the literature in individuals affected with Mandibulofacial Dysostosis-Microcephaly Syndrome. To our knowledge, no experimental evidence demonstrating an impact on protein function has been reported. ClinVar contains an entry for this variant (Variation ID: 986268). Based on the evidence outlined above, the variant was classified as likely pathogenic.

Ambry Genetics
Classification: Likely pathogenic for Inborn genetic diseases. Last evaluated: 2018-09-25. Review status: criteria provided, single submitter. Criteria: Ambry exome assertion method (8-5-2015). Collection method: clinical testing. Allele origin: germline. Affected: yes. Observed: 1 variant allele.

Literature cited by the submitters: PubMed 26507355 (cited by Ambry Genetics).

NM_004247.4(EFTUD2):c.2306G>A (p.Gly769Asp)

Gene: EFTUD2 (elongation factor Tu GTP binding domain containing 2; minus strand). Cytogenetic location: 17q21.31.
Variant type: single nucleotide variant.
Coding change: c.2306G>A on transcript NM_004247.4 (MANE Select); coding-DNA position 2306, G replaced by A.
Protein change: p.Gly769Asp; replaces glycine 769 with aspartic acid.
Molecular consequence: missense variant.
Genome position (GRCh38, 1-based): chr17:44,854,310, C>T on the plus strand (G>A on the coding strand, the complement: EFTUD2 is on the minus strand). VCF-style: chr17-44854310-C-T. GRCh37 (hg19) VCF-style: chr17-42931678-C-T.
Other names: c.2201G>A, p.Gly734Asp (NM_001142605.2); c.2306G>A, p.Gly769Asp (NM_001258353.2); c.2276G>A, p.Gly759Asp (NM_001258354.2); short protein forms G734D, G759D, G769D.
Identifiers: ClinVar variation 986268 (VCV000986268.4), dbSNP rs2050507811, ClinGen allele CA399842303.
Genomic context (GRCh38, chr17:44,854,310, plus strand): 5'-GGAGTGCTGGTGGACTTACATTCATCACAGAGGGGGCCCTCCCTGGTTCCCCACTGGAAA[C>T]CTTGAACGATGCTGTCCTTCACTGAACCAAGAAGAGCCTTGTCCACCTATAGAGAAACAT-3'
Protein context (NP_004238.3, residues 759-779): LGSVKDSIVQ[Gly769Asp]FQWGTREGPL